The following is an entry in ClinVar:

ClinVar aggregate classification (germline): Conflicting classifications of pathogenicity. Review status: criteria provided, conflicting classifications (1 of 4 stars). 4 submissions from 4 submitters: Uncertain significance (3); Likely benign (1). Last evaluated 2024-08-23.

Conditions:
Inborn genetic diseases. Identifiers: MedGen C0950123, MeSH D030342.
Hepatic methionine adenosyltransferase deficiency. Also called: MAT I/III DEFICIENCY; Deficiency of methionine adenosyltransferase; Methionine adenosyltransferase deficiency; Isolated Persistent Hypermethioninemia. Identifiers: Orphanet 168598, MedGen C0268621, MeSH C564683, MONDO:0009607, OMIM 250850.

Allele frequency attached by ClinVar (database versions not stated): gnomAD 0.00005 and 0.00006; gnomAD exomes 0.00006 and 0.00009; ExAC 0.00007; TOPMed 0.00011; ESP Exome Variant Server 0.00023.

Submissions (4):

Labcorp Genetics (formerly Invitae), Labcorp
Classification: Uncertain significance for Hepatic methionine adenosyltransferase deficiency. Last evaluated: 2024-08-23. Review status: criteria provided, single submitter. Criteria: Invitae Variant Classification Sherloc (09022015). Collection method: clinical testing. Allele origin: germline.
Comment: This sequence change replaces valine, which is neutral and non-polar, with isoleucine, which is neutral and non-polar, at codon 241 of the MAT1A protein (p.Val241Ile). This variant is present in population databases (rs147356286, gnomAD 0.02%). This variant has not been reported in the literature in individuals affected with MAT1A-related conditions. ClinVar contains an entry for this variant (Variation ID: 546205). Invitae Evidence Modeling of protein sequence and biophysical properties (such as structural, functional, and spatial information, amino acid conservation, physicochemical variation, residue mobility, and thermodynamic stability) indicates that this missense variant is not expected to disrupt MAT1A protein function with a negative predictive value of 80%. In summary, the available evidence is currently insufficient to determine the role of this variant in disease. Therefore, it has been classified as a Variant of Uncertain Significance.

Ambry Genetics
Classification: Likely benign for Inborn genetic diseases. Last evaluated: 2022-11-09. Review status: criteria provided, single submitter. Criteria: Ambry Variant Classification Scheme 2023. Collection method: clinical testing. Allele origin: germline.

Fulgent Genetics
Classification: Uncertain significance for Hepatic methionine adenosyltransferase deficiency. Last evaluated: 2022-05-04. Review status: criteria provided, single submitter. Criteria: ACMG Guidelines, 2015. Collection method: clinical testing. Allele origin: unknown.

GeneDx
Classification: Uncertain significance. Last evaluated: 2018-05-17. Review status: criteria provided, single submitter. Criteria: GeneDx Variant Classification (06012015). Collection method: clinical testing. Allele origin: germline. Affected: yes.
Comment: The V241I variant in the MAT1A gene has not been reported previously as a pathogenic variant, nor as a benign variant, to our knowledge. The V241I variant is observed in 18/277086 (0.0065%) alleles in large population cohorts and no individuals are reported to be homozygous (Lek et al., 2016). The V241I variant is a conservative amino acid substitution, which is not likely to impact secondary protein structure as these residues share similar properties. In silico analyses, including protein predictors and evolutionary conservation, support that this variant does not alter protein structure/function. However, the majority of missense variants in this gene are considered pathogenic (Stenson et al., 2014). We interpret V241I as a variant of uncertain significance.

NM_000429.3(MAT1A):c.721G>A (p.Val241Ile)

Gene: MAT1A (methionine adenosyltransferase 1A; minus strand). Cytogenetic location: 10q22.3.
Variant type: single nucleotide variant.
Coding change: c.721G>A on transcript NM_000429.3 (MANE Select); coding-DNA position 721, G replaced by A.
Protein change: p.Val241Ile; replaces valine 241 with isoleucine.
Molecular consequence: missense variant.
Genome position (GRCh38, 1-based): chr10:80,276,423, C>T on the plus strand (G>A on the coding strand, the complement: MAT1A is on the minus strand). VCF-style: chr10-80276423-C-T. GRCh37 (hg19) VCF-style: chr10-82036179-C-T.
Other names: short protein forms V241I.
Identifiers: ClinVar variation 546205 (VCV000546205.9), dbSNP rs147356286, ClinGen allele CA5576726.